The following is an entry in ClinVar:

ClinVar aggregate classification (germline): Uncertain significance. Review status: criteria provided, multiple submitters, no conflicts (2 of 4 stars). 2 submissions from 2 submitters: Uncertain significance (2). Last evaluated 2026-07-07.

Conditions:
Familial adenomatous polyposis 1 (FAP1). Also called: POLYPOSIS, ADENOMATOUS INTESTINAL; FAMILIAL ADENOMATOUS POLYPOSIS 1, ATTENUATED. Identifiers: MedGen C2713442, MONDO:0021056, OMIM 175100. Disease mechanism: loss of function.
Hereditary cancer-predisposing syndrome. Also called: Hereditary Cancer Syndrome; Hereditary neoplastic syndrome; Neoplastic Syndromes, Hereditary; Tumor predisposition. Identifiers: Orphanet 140162, MedGen C0027672, MeSH D009386, MONDO:0015356.

Allele frequency attached by ClinVar (database versions not stated): gnomAD exomes below 0.00001; ExAC 0.00001.
gnomAD v4.1: 1 of 1,614,112 alleles (0.000062%); highest among the groups gnomAD compares: Admixed American, 0.0017%; no homozygotes.

Submissions (2):

Ambry Genetics
Classification: Uncertain significance for Hereditary cancer-predisposing syndrome. Last evaluated: 2026-07-07. Review status: criteria provided, single submitter. Criteria: Ambry Variant Classification Scheme 2023. Collection method: clinical testing. Allele origin: germline.
Comment: The p.A1225T variant (also known as c.3673G>A), located in coding exon 15 of the APC gene, results from a G to A substitution at nucleotide position 3673. The alanine at codon 1225 is replaced by threonine, an amino acid with similar properties. This amino acid position is conserved. In addition, in silico predictors for this gene do not accurately predict pathogenicity. Based on the available evidence, the clinical significance of this variant remains unclear.

Labcorp Genetics (formerly Invitae), Labcorp
Classification: Uncertain significance for Familial adenomatous polyposis 1. Last evaluated: 2024-04-11. Review status: criteria provided, single submitter. Criteria: Invitae Variant Classification Sherloc (09022015). Collection method: clinical testing. Allele origin: germline.
Comment: This sequence change replaces alanine, which is neutral and non-polar, with threonine, which is neutral and polar, at codon 1225 of the APC protein (p.Ala1225Thr). This variant is present in population databases (rs776079894, gnomAD 0.003%). This variant has not been reported in the literature in individuals affected with APC-related conditions. Advanced modeling of protein sequence and biophysical properties (such as structural, functional, and spatial information, amino acid conservation, physicochemical variation, residue mobility, and thermodynamic stability) performed at Invitae indicates that this missense variant is not expected to disrupt APC protein function with a negative predictive value of 95%. In summary, the available evidence is currently insufficient to determine the role of this variant in disease. Therefore, it has been classified as a Variant of Uncertain Significance.

NM_000038.6(APC):c.3673G>A (p.Ala1225Thr)

Gene: APC (APC regulator of Wnt signaling pathway; plus strand). Cytogenetic location: 5q22.2.
Variant type: single nucleotide variant.
Coding change: c.3673G>A on transcript NM_000038.6 (MANE Select); coding-DNA position 3673, G replaced by A.
Protein change: p.Ala1225Thr; replaces alanine 1225 with threonine.
Molecular consequence: missense variant. On other transcripts: non-coding transcript variant (2).
Genome position (GRCh38, 1-based): chr5:112,839,267, G>A. VCF-style: chr5-112839267-G-A. GRCh37 (hg19) VCF-style: chr5-112174964-G-A.
Other names: c.3673G>A, p.Ala1225Thr (NM_001127510.3, NM_001354895.2, NM_001407450.1); c.3619G>A, p.Ala1207Thr (NM_001127511.3); c.3727G>A, p.Ala1243Thr (NM_001354896.2, NM_001407447.1, NM_001407448.1 and 1 more transcripts); c.3703G>A, p.Ala1235Thr (NM_001354897.2); c.3652G>A, p.Ala1218Thr (NM_001407451.1); c.3643G>A, p.Ala1215Thr (NM_001407452.1); c.3496G>A, p.Ala1166Thr (NM_001407453.1, NM_001354901.2); c.3424G>A, p.Ala1142Thr (NM_001407454.1, NM_001407455.1, NM_001407456.1 and 1 more transcripts); and 12 more; short protein forms A1134T, A1166T, A1197T, A1200T, A1235T, A1243T, A841T, A1184T.
Identifiers: ClinVar variation 2986251 (VCV002986251.5), dbSNP rs776079894, ClinGen allele CA036227.